The following is an entry in ClinVar:

NM_004782.4(SNAP29):c.320A>G (p.Lys107Arg)

Gene: SNAP29 (synaptosome associated protein 29; plus strand). Cytogenetic location: 22q11.21.
Variant type: single nucleotide variant.
Coding change: c.320A>G on transcript NM_004782.4 (MANE Select); coding-DNA position 320, A replaced by G.
Protein change: p.Lys107Arg; replaces lysine 107 with arginine.
Molecular consequence: missense variant.
Genome position (GRCh38, 1-based): chr22:20,870,419, A>G. VCF-style: chr22-20870419-A-G. GRCh37 (hg19) VCF-style: chr22-21224707-A-G.
Other names: short protein forms K107R.
Identifiers: ClinVar variation 1942724 (VCV001942724.4), dbSNP rs1279651068, ClinGen allele CA410756470.

ClinVar aggregate classification (germline): Uncertain significance (1 of 4 stars; one submission).

Allele frequency attached by ClinVar (database versions not stated): gnomAD exomes below 0.00001; TOPMed below 0.00001.
gnomAD v4.1: 3 of 1,614,186 alleles (0.00019%); highest among the groups gnomAD compares: Admixed American, 0.005%; no homozygotes.

Submission:

Labcorp Genetics (formerly Invitae), Labcorp
Classification: Uncertain significance. Last evaluated: 2024-10-22. Review status: criteria provided, single submitter. Criteria: Invitae Variant Classification Sherloc (09022015). Collection method: clinical testing. Allele origin: germline.
Comment: This sequence change replaces lysine, which is basic and polar, with arginine, which is basic and polar, at codon 107 of the SNAP29 protein (p.Lys107Arg). This variant is present in population databases (no rsID available, gnomAD 0.009%). This variant has not been reported in the literature in individuals affected with SNAP29-related conditions. ClinVar contains an entry for this variant (Variation ID: 1942724). Invitae Evidence Modeling of protein sequence and biophysical properties (such as structural, functional, and spatial information, amino acid conservation, physicochemical variation, residue mobility, and thermodynamic stability) indicates that this missense variant is not expected to disrupt SNAP29 protein function with a negative predictive value of 80%. In summary, the available evidence is currently insufficient to determine the role of this variant in disease. Therefore, it has been classified as a Variant of Uncertain Significance.